The following is an entry in ClinVar:

NM_002691.4(POLD1):c.2734C>T (p.Pro912Ser)

Gene: POLD1 (DNA polymerase delta 1, catalytic subunit; plus strand). Cytogenetic location: 19q13.33.
Variant type: single nucleotide variant.
Coding change: c.2734C>T on transcript NM_002691.4 (MANE Select); coding-DNA position 2734, C replaced by T.
Protein change: p.Pro912Ser; replaces proline 912 with serine.
Molecular consequence: missense variant.
Genome position (GRCh38, 1-based): chr19:50,415,740, C>T. VCF-style: chr19-50415740-C-T. GRCh37 (hg19) VCF-style: chr19-50918997-C-T.
Other names: c.2734C>T, p.Pro912Ser (NM_001256849.1); c.2812C>T, p.Pro938Ser (NM_001308632.1); short protein forms P938S, P912S.
Identifiers: ClinVar variation 960115 (VCV000960115.12), dbSNP rs1568638506, ClinGen allele CA406985855.
Genomic context (GRCh38, chr19:50,415,740, plus strand): 5'-CCACCCACCTGCCCTCACCCACCCGCCACCCCATCTCCACGCAGGATGAGGAAGCGGGAC[C>T]CCGGGAGTGCGCCCAGCCTGGGCGACCGCGTCCCCTACGTGATCATCAGTGCCGCCAAGG-3'
Protein context (NP_002682.2, residues 902-922): ELAERMRKRD[Pro912Ser]GSAPSLGDRV

ClinVar aggregate classification (germline): Uncertain significance. Review status: criteria provided, multiple submitters, no conflicts (2 of 4 stars). 2 submissions from 2 submitters: Uncertain significance (2). Last evaluated 2021-10-12.

Conditions:
POLD1-related polyposis and colorectal cancer syndrome (CRCS10). Also called: Colorectal cancer 10; COLORECTAL CANCER, SUSCEPTIBILITY TO, ON CHROMOSOME 19q; Colorectal cancer, susceptibility to, 10. Identifiers: Orphanet 220460, MedGen C2675481, MONDO:0012953, OMIM 612591.
Hereditary cancer-predisposing syndrome. Also called: Tumor predisposition; Hereditary Cancer Syndrome; Hereditary neoplastic syndrome; Neoplastic Syndromes, Hereditary. Identifiers: Orphanet 140162, MedGen C0027672, MeSH D009386, MONDO:0015356.

Submissions (2):

Ambry Genetics
Classification: Uncertain significance for Hereditary cancer-predisposing syndrome. Last evaluated: 2021-10-12. Review status: criteria provided, single submitter. Criteria: Ambry Variant Classification Scheme 2023. Collection method: clinical testing. Allele origin: germline.
Comment: The p.P912S variant (also known as c.2734C>T), located in coding exon 21 of the POLD1 gene, results from a C to T substitution at nucleotide position 2734. The proline at codon 912 is replaced by serine, an amino acid with similar properties. This amino acid position is conserved. In addition, this alteration is predicted to be tolerated by in silico analysis. Since supporting evidence is limited at this time, the clinical significance of this alteration remains unclear.

Labcorp Genetics (formerly Invitae), Labcorp
Classification: Uncertain significance for POLD1-related polyposis and colorectal cancer syndrome. Last evaluated: 2019-10-29. Review status: criteria provided, single submitter. Criteria: Invitae Variant Classification Sherloc (09022015). Collection method: clinical testing. Allele origin: germline.
Comment: This sequence change replaces proline with serine at codon 912 of the POLD1 protein (p.Pro912Ser). The proline residue is moderately conserved and there is a moderate physicochemical difference between proline and serine. This variant is not present in population databases (ExAC no frequency). This variant has not been reported in the literature in individuals with POLD1-related conditions. Algorithms developed to predict the effect of missense changes on protein structure and function are either unavailable or do not agree on the potential impact of this missense change (SIFT: "Tolerated"; PolyPhen-2: "Possibly Damaging"; Align-GVGD: "Class C0"). In summary, the available evidence is currently insufficient to determine the role of this variant in disease. Therefore, it has been classified as a Variant of Uncertain Significance.